The following is an entry in ClinVar:

NM_001162501.2(TNRC6B):c.1525_1528del (p.Gly509fs)

Gene: TNRC6B (trinucleotide repeat containing adaptor 6B; plus strand). Cytogenetic location: 22q13.1.
Variant type: Deletion.
Coding change: c.1525_1528del on transcript NM_001162501.2 (MANE Select); coding-DNA positions 1525 to 1528, 4 bases deleted (GGAG; older notation c.1525_1528delGGAG).
Protein change: p.Gly509fs; shifts the reading frame from glycine 509.
Molecular consequence: frameshift variant. On other transcripts: intron variant (1).
Genome position (GRCh38, 1-based): chr22:40,265,755-40,265,758, GGAG deleted; deleting any 4 consecutive bases within chr22:40,265,753-40,265,758 gives the same sequence; the c. name uses the placement nearest the transcript's 3' end. VCF-style (leftmost placement, unchanged base first): chr22-40265752-CAGGG-C. GRCh37 (hg19) VCF-style: chr22-40661756-CAGGG-C.
Other names: c.1525_1528del, p.Gly509fs (NM_015088.3); c.565+3582_565+3585del (NM_001024843.2); short protein forms G509fs.
Identifiers: ClinVar variation 3572913 (VCV003572913.1).
Genomic context (GRCh38, chr22:40,265,752, plus strand): 5'-CCCCAGGACTCTAATGACAACAAATGGGGTGAAGGGAACAAAATGACATCTGGGGTCTCT[CAGGG>C]AGAATGGAAACAGCCGACTGGGTCTGATGAGTTGAAAATTGGAGAATGGAGTGGTCCAAA-3'

ClinVar aggregate classification (germline): Likely pathogenic (1 of 4 stars; one submission).

Conditions:
Global developmental delay with speech and behavioral abnormalities. Identifiers: MedGen C5543226, MONDO:0030995, OMIM 619243.

Submission:

Institute of Human Genetics, University of Goettingen
Classification: Likely pathogenic for Global developmental delay with speech and behavioral abnormalities. Last evaluated: 2025-01-13. Review status: criteria provided, single submitter. Criteria: ACMG Guidelines, 2015. Collection method: clinical testing. Allele origin: de novo. Affected: yes. Observed: 1 heterozygote.
Comment: PVS1: Loss of function variant, product undergoes nonsense mediated mRNA decay. LoF is a known mechanism of disease. PM2: absent from control